The following is an entry in ClinVar:

NM_031935.3(HMCN1):c.11330A>G (p.Asp3777Gly)

Gene: HMCN1 (hemicentin 1; plus strand). Cytogenetic location: 1q31.1.
Variant type: single nucleotide variant.
Coding change: c.11330A>G on transcript NM_031935.3 (MANE Select); coding-DNA position 11330, A replaced by G.
Protein change: p.Asp3777Gly; replaces aspartic acid 3777 with glycine.
Molecular consequence: missense variant.
Genome position (GRCh38, 1-based): chr1:186,114,872, A>G. VCF-style: chr1-186114872-A-G. GRCh37 (hg19) VCF-style: chr1-186084004-A-G.
Other names: short protein forms D3777G.
Identifiers: ClinVar variation 4764416 (VCV004764416.1).

ClinVar aggregate classification (germline): Uncertain significance (1 of 4 stars; one submission).

Submission:

Labcorp Genetics (formerly Invitae), Labcorp
Classification: Uncertain significance. Last evaluated: 2025-05-17. Review status: criteria provided, single submitter. Criteria: Invitae Variant Classification Sherloc (09022015). Collection method: clinical testing. Allele origin: germline.
Comment: This sequence change replaces aspartic acid, which is acidic and polar, with glycine, which is neutral and non-polar, at codon 3777 of the HMCN1 protein (p.Asp3777Gly). This variant is not present in population databases (gnomAD no frequency). This variant has not been reported in the literature in individuals affected with HMCN1-related conditions. An algorithm developed to predict the effect of missense changes on protein structure and function (PolyPhen-2) suggests that this variant is likely to be disruptive. In summary, the available evidence is currently insufficient to determine the role of this variant in disease. Therefore, it has been classified as a Variant of Uncertain Significance.